The following is an entry in ClinVar:

ClinVar aggregate classification (germline): Uncertain significance (1 of 4 stars; one submission).

Allele frequency attached by ClinVar (database versions not stated): TOPMed below 0.00001; gnomAD exomes 0.00001.
gnomAD v4.1: 4 of 1,613,754 alleles (0.00025%); highest among the groups gnomAD compares: Non-Finnish European, 0.00034%; no homozygotes.

Submission:

Labcorp Genetics (formerly Invitae), Labcorp
Classification: Uncertain significance. Last evaluated: 2022-02-22. Review status: criteria provided, single submitter. Criteria: Invitae Variant Classification Sherloc (09022015). Collection method: clinical testing. Allele origin: germline.
Comment: This sequence change replaces glutamic acid, which is acidic and polar, with alanine, which is neutral and non-polar, at codon 883 of the PCDH15 protein (p.Glu883Ala). This variant is not present in population databases (gnomAD no frequency). This variant has not been reported in the literature in individuals affected with PCDH15-related conditions. Algorithms developed to predict the effect of missense changes on protein structure and function are either unavailable or do not agree on the potential impact of this missense change (SIFT: "Deleterious"; PolyPhen-2: "Probably Damaging"; Align-GVGD: "Class C0"). In summary, the available evidence is currently insufficient to determine the role of this variant in disease. Therefore, it has been classified as a Variant of Uncertain Significance.

NM_001384140.1(PCDH15):c.2648A>C (p.Glu883Ala)

Gene: PCDH15 (protocadherin related 15; minus strand). Cytogenetic location: 10q21.1.
Variant type: single nucleotide variant.
Coding change: c.2648A>C on transcript NM_001384140.1 (MANE Select); coding-DNA position 2648, A replaced by C.
Protein change: p.Glu883Ala; replaces glutamic acid 883 with alanine.
Molecular consequence: missense variant.
Genome position (GRCh38, 1-based): chr10:54,020,295, T>G on the plus strand (A>C on the coding strand, the complement: PCDH15 is on the minus strand). VCF-style: chr10-54020295-T-G. GRCh37 (hg19) VCF-style: chr10-55780055-T-G.
Other names: c.2663A>C, p.Glu888Ala (NM_001142763.2, NM_001142771.2); c.2648A>C, p.Glu883Ala (NM_001142764.2, NM_001142766.2, NM_001142770.3 and 5 more transcripts); c.2435A>C, p.Glu812Ala (NM_001142765.2); c.2537A>C, p.Glu846Ala (NM_001142767.2); c.2582A>C, p.Glu861Ala (NM_001142768.2, NM_001142773.2, NM_001354404.2); c.2684A>C, p.Glu895Ala (NM_001142769.4); c.2669A>C, p.Glu890Ala (NM_001354411.2); short protein forms E846A, E861A, E883A, E895A, E812A, E890A, E888A.
Identifiers: ClinVar variation 1951571 (VCV001951571.2), dbSNP rs2092875651, ClinGen allele CA376522294.